The following is an entry in ClinVar:

ClinVar aggregate classification (germline): Uncertain significance (1 of 4 stars; one submission).

Allele frequency attached by ClinVar (database versions not stated): gnomAD exomes below 0.00001; TOPMed 0.00002; gnomAD 0.00001.
gnomAD v4.1: 3 of 1,166,522 alleles (0.00026%); highest among the groups gnomAD compares: African/African-American, 0.0036%; no homozygotes.

Submissions (2):

New York Genome Center
Classification: Uncertain significance. Last evaluated: 2020-07-10. Review status: criteria provided, single submitter. Criteria: NYGC Assertion Criteria 2020. Collection method: clinical testing. Allele origin: inherited. Affected: yes. Observed: 1 heterozygote. Study: CSER-NYCKidSeq.
Comment: The hemizygous c.2217G>A (p.Lys739=) variant identified in the SMARCA1 gene is a synonymous variant. While the nucleotide change does not alter the amino acid sequence of the protein, it is located at the last nucleotide position of exon 17 (of 25), and may potentially effect splicing. In silico algorithms including the Transcript inferred Pathogenicity (TraP) Score (score: 0.978; >99% score-percentile), ada score (0.999), and MaxEntScan Ref (9.009) and MaxEntScan Alt (4.333) predict this variant is probably damaging to splicing. The c.2217G>A (p.Lys739=) variant is found with low frequency in gnomAD(v3.0) (1 heterozygote, 0 homozygotes, 0 hemizygotes; allele frequency:9.54e-6) suggesting it is not a common benign variant in the populations represented in that database. This variant is absent from ClinVar and to our current knowledge has not been reported in affected individuals in the literature. The hemizygous c.2217G>A (p.Lys739=) variant identified in the SMARCA1 gene is reported as a Variant of UncertainSignificance.

Dr. Peter K. Rogan Lab, Western University
No classification provided (evidence only). Condition: Nonpapillary renal cell carcinoma. Review status: no classification provided. Collection method: in vitro. Allele origin: not applicable. Functional consequence: retained intron. Not counted in ClinVar's aggregate classification.

NM_001282874.2(SMARCA1):c.2217G>A (p.Lys739=)

Gene: SMARCA1 (SNF2 related chromatin remodeling ATPase 1; minus strand). Cytogenetic location: Xq25.
Variant type: single nucleotide variant.
Coding change: c.2217G>A on transcript NM_001282874.2 (MANE Select); coding-DNA position 2217, G replaced by A.
Protein change: p.Lys739=; no amino-acid change (lysine 739 retained).
Molecular consequence: synonymous variant.
Genome position (GRCh38, 1-based): chrX:129,487,018, C>T on the plus strand (G>A on the coding strand, the complement: SMARCA1 is on the minus strand). VCF-style: chrX-129487018-C-T. GRCh37 (hg19) VCF-style: chrX-128620995-C-T.
Other names: NC_000023.10:g.128620995C>T; c.2181G>A, p.Lys727= (NM_001282875.2, NM_001378262.1, NM_001378263.1 and 1 more transcripts); c.2217G>A, p.Lys739= (NM_001378261.1, NM_003069.5).
Identifiers: ClinVar variation 1184430 (VCV001184430.2), dbSNP rs1933921672, ClinGen allele CA518465947.